The following is an entry in ClinVar:

ClinVar aggregate classification (germline): Uncertain significance. Review status: criteria provided, multiple submitters, no conflicts (2 of 4 stars). 2 submissions from 2 submitters: Uncertain significance (2). Last evaluated 2025-07-29.

Conditions:
Developmental delay, hypotonia, musculoskeletal defects, and behavioral abnormalities. Identifiers: MedGen C5562012, MONDO:0859202, OMIM 619595.
Floating-Harbor syndrome (FLHS). Also called: SRCAP-Related Floating-Harbor Syndrome; Short stature with delayed bone age, expressive language delay, a triangular face with a prominent nose and deep-set eyes; Pelletier-Leisti syndrome. Identifiers: Orphanet 2044, MedGen C0729582, MONDO:0007621, OMIM 136140.

Submissions (2):

Labcorp Genetics (formerly Invitae), Labcorp
Classification: Uncertain significance. Last evaluated: 2025-07-29. Review status: criteria provided, single submitter. Criteria: Invitae Variant Classification Sherloc (09022015). Collection method: clinical testing. Allele origin: germline.
Comment: This sequence change replaces methionine, which is neutral and non-polar, with threonine, which is neutral and polar, at codon 1175 of the SRCAP protein (p.Met1175Thr). This variant is present in population databases (rs776104517, gnomAD 0.006%). This variant has not been reported in the literature in individuals affected with SRCAP-related conditions. ClinVar contains an entry for this variant (Variation ID: 3580118). Invitae Evidence Modeling of protein sequence and biophysical properties (such as structural, functional, and spatial information, amino acid conservation, physicochemical variation, residue mobility, and thermodynamic stability) indicates that this missense variant is not expected to disrupt SRCAP protein function with a negative predictive value of 80%. In summary, the available evidence is currently insufficient to determine the role of this variant in disease. Therefore, it has been classified as a Variant of Uncertain Significance.

Fulgent Genetics
Classification: Uncertain significance for Floating-Harbor syndrome; Developmental delay, hypotonia, musculoskeletal defects, and behavioral abnormalities. Last evaluated: 2024-02-22. Review status: criteria provided, single submitter. Criteria: ACMG Guidelines, 2015. Collection method: clinical testing. Allele origin: germline.

NM_006662.3(SRCAP):c.3524T>C (p.Met1175Thr)

Gene: SRCAP (Snf2 related CREBBP activator protein; plus strand). Cytogenetic location: 16p11.2.
Variant type: single nucleotide variant.
Coding change: c.3524T>C on transcript NM_006662.3 (MANE Select); coding-DNA position 3524, T replaced by C.
Protein change: p.Met1175Thr; replaces methionine 1175 with threonine.
Molecular consequence: missense variant.
Genome position (GRCh38, 1-based): chr16:30,721,459, T>C. VCF-style: chr16-30721459-T-C. GRCh37 (hg19) VCF-style: chr16-30732780-T-C.
Other names: short protein forms M1175T.
Identifiers: ClinVar variation 3580118 (VCV003580118.2).